The following is an entry in ClinVar:

ClinVar aggregate classification (germline): Uncertain significance (1 of 4 stars; one submission).

gnomAD v4.1: 1 of 1,613,218 alleles (0.000062%); highest among the groups gnomAD compares: African/African-American, 0.0013%; no homozygotes.

Submission:

Labcorp Genetics (formerly Invitae), Labcorp
Classification: Uncertain significance. Last evaluated: 2024-04-14. Review status: criteria provided, single submitter. Criteria: Invitae Variant Classification Sherloc (09022015). Collection method: clinical testing. Allele origin: germline.
Comment: This sequence change replaces lysine, which is basic and polar, with glutamic acid, which is acidic and polar, at codon 322 of the COL10A1 protein (p.Lys322Glu). This variant is not present in population databases (gnomAD no frequency). This variant has not been reported in the literature in individuals affected with COL10A1-related conditions. Advanced modeling of protein sequence and biophysical properties (such as structural, functional, and spatial information, amino acid conservation, physicochemical variation, residue mobility, and thermodynamic stability) performed at Invitae indicates that this missense variant is not expected to disrupt COL10A1 protein function with a negative predictive value of 80%. In summary, the available evidence is currently insufficient to determine the role of this variant in disease. Therefore, it has been classified as a Variant of Uncertain Significance.

NM_000493.4(COL10A1):c.964A>G (p.Lys322Glu)

Genes: COL10A1 (collagen type X alpha 1 chain; minus strand), NT5DC1 (5'-nucleotidase domain containing 1; plus strand). Cytogenetic location: 6q22.1.
Variant type: single nucleotide variant.
Coding change: c.964A>G on transcript NM_000493.4 (MANE Select); coding-DNA position 964, A replaced by G.
Protein change: p.Lys322Glu; replaces lysine 322 with glutamic acid.
Molecular consequence: missense variant. On other transcripts: intron variant (1).
Genome position (GRCh38, 1-based): chr6:116,121,152, T>C on the plus strand (A>G on the coding strand, the complement: COL10A1 is on the minus strand). VCF-style: chr6-116121152-T-C. GRCh37 (hg19) VCF-style: chr6-116442315-T-C.
Other names: c.964A>G, p.Lys322Glu (NM_001424106.1, NM_001424107.1); c.529+3207T>C (NM_152729.3); short protein forms K322E.
Identifiers: ClinVar variation 3683340 (VCV003683340.2).
Genomic context (GRCh38, chr6:116,121,152, plus strand): 5'-TCCCAGGGGGTCCAGTCAGACCTGGCTTCCCAGGAAGACCTGCTGGCCCTTGTTCCCCTT[T>C]GGCACCTGGACCCCCAGGAAGGCCAGCAGGTCCTCTTTCTCCCTTCAGGCCTGGCAAGCC-3'
Protein context (NP_000484.2, residues 312-332): PAGLPGGPGA[Lys322Glu]GEQGPAGLPG